The following is an entry in ClinVar:

ClinVar aggregate classification (germline): Uncertain significance (1 of 4 stars; one submission).

Submission:

Labcorp Genetics (formerly Invitae), Labcorp
Classification: Uncertain significance. Last evaluated: 2023-07-17. Review status: criteria provided, single submitter. Criteria: Invitae Variant Classification Sherloc (09022015). Collection method: clinical testing. Allele origin: germline.
Comment: This sequence change replaces proline, which is neutral and non-polar, with alanine, which is neutral and non-polar, at codon 176 of the USH1C protein (p.Pro176Ala). In summary, the available evidence is currently insufficient to determine the role of this variant in disease. Therefore, it has been classified as a Variant of Uncertain Significance. An algorithm developed to predict the effect of missense changes on protein structure and function (PolyPhen-2) suggests that this variant is likely to be tolerated. ClinVar contains an entry for this variant (Variation ID: 2109193). This variant has not been reported in the literature in individuals affected with USH1C-related conditions. This variant is not present in population databases (gnomAD no frequency).

NM_153676.4(USH1C):c.526C>G (p.Pro176Ala)

Gene: USH1C (USH1 protein network component harmonin; minus strand). Cytogenetic location: 11p15.1.
Variant type: single nucleotide variant.
Coding change: c.526C>G on transcript NM_153676.4 (MANE Select); coding-DNA position 526, C replaced by G.
Protein change: p.Pro176Ala; replaces proline 176 with alanine.
Molecular consequence: missense variant. On other transcripts: non-coding transcript variant (1).
Genome position (GRCh38, 1-based): chr11:17,526,806, G>C on the plus strand (C>G on the coding strand, the complement: USH1C is on the minus strand). VCF-style: chr11-17526806-G-C. GRCh37 (hg19) VCF-style: chr11-17548353-G-C.
Other names: c.526C>G, p.Pro176Ala (NM_001297764.2, NM_005709.4); short protein forms P176A.
Identifiers: ClinVar variation 2109193 (VCV002109193.4), dbSNP rs2497187371, ClinGen allele CA379794571.